The following is an entry in ClinVar:

ClinVar aggregate classification (germline): Pathogenic/Likely pathogenic. Review status: criteria provided, multiple submitters, no conflicts (2 of 4 stars). 2 submissions from 2 submitters: Pathogenic (1); Likely pathogenic (1). Last evaluated 2026-01-17.

Conditions:
VPS13A-related neurodegenerative disease. Also called: VPS13A Disease; Choreaacanthocytosis; ACANTHOCYTOSIS WITH NEUROLOGIC DISORDER; LEVINE-CRITCHLEY SYNDROME; Choreoacanthocytosis; Chorea-acanthocytosis. Identifiers: Orphanet 2388, MedGen C0393576, MONDO:0008695, OMIM 200150.

Submissions (2):

Labcorp Genetics (formerly Invitae), Labcorp
Classification: Pathogenic. Last evaluated: 2026-01-17. Review status: criteria provided, single submitter. Criteria: Invitae Variant Classification Sherloc (09022015). Collection method: clinical testing. Allele origin: germline.
Comment: This sequence change creates a premature translational stop signal (p.Lys1113Argfs*30) in the VPS13A gene. It is expected to result in an absent or disrupted protein product. Loss-of-function variants in VPS13A are known to be pathogenic (PMID: 12404112, 21598378). This variant is not present in population databases (gnomAD no frequency). This variant has not been reported in the literature in individuals affected with VPS13A-related conditions. For these reasons, this variant has been classified as Pathogenic.

Natera, Inc.
Classification: Likely pathogenic for Choreaacanthocytosis. Last evaluated: 2024-09-05. Review status: criteria provided, single submitter. Criteria: Natera Variant Classification Schema (03/2026). Collection method: clinical testing. Allele origin: germline.
Comment: The c.3338del variant in VPS13A is a frameshift variant predicted to shift the reading frame beginning at codon 1113 and leads to a stop codon 30 codons downstream. This variant is expected to result in nonsense mediated decay, truncation, or a dysfunctional protein product. This variant is rare in the general population with a frequency below the threshold expected for the associated phenotype(s). Given the available evidence, this variant is classified as Likely Pathogenic.

Literature cited by the submitters: PubMed 12404112 (cited by Labcorp Genetics (formerly Invitae), Labcorp); PubMed 21598378 (cited by Labcorp Genetics (formerly Invitae), Labcorp).

NM_033305.3(VPS13A):c.3338del (p.Lys1113fs)

Gene: VPS13A (vacuolar protein sorting 13 homolog A; plus strand). Cytogenetic location: 9q21.2.
Variant type: Deletion.
Coding change: c.3338del on transcript NM_033305.3 (MANE Select); coding-DNA position 3338, one base deleted (A; older notation c.3338delA).
Protein change: p.Lys1113fs; shifts the reading frame from lysine 1113.
Molecular consequence: frameshift variant.
Genome position (GRCh38, 1-based): chr9:77,283,649, A deleted; the last of 5 consecutive A bases (chr9:77,283,645-77,283,649); deleting any one gives the same sequence. VCF-style (leftmost placement, unchanged base first): chr9-77283644-CA-C. GRCh37 (hg19) VCF-style: chr9-79898560-CA-C.
Other names: c.3338del (NM_033305.2); c.3221del, p.Lys1074fs (NM_001018037.2); c.3338del, p.Lys1113fs (NM_001018038.3, NM_015186.4); short protein forms K1074fs, K1113fs.
Identifiers: ClinVar variation 4693276 (VCV004693276.3).